The following is an entry in ClinVar:

NM_002691.4(POLD1):c.2149_2154+6del

Gene: POLD1 (DNA polymerase delta 1, catalytic subunit; plus strand). Cytogenetic location: 19q13.33.
Variant type: Deletion.
Coding change: c.2149_2154+6del on transcript NM_002691.4 (MANE Select); coding-DNA position 2149 through 6 bases into the intron after coding-DNA position 2154, 12 bases deleted (TCACAGGTGGGC).
Molecular consequence: splice donor variant.
Genome position (GRCh38, 1-based): chr19:50,409,661-50,409,672, TCACAGGTGGGC deleted; deleting any 12 consecutive bases within chr19:50,409,660-50,409,672 gives the same sequence; the c. name uses the placement nearest the transcript's 3' end. VCF-style (leftmost placement, unchanged base first): chr19-50409659-TCTCACAGGTGGG-T. GRCh37 (hg19) VCF-style: chr19-50912916-TCTCACAGGTGGG-T.
Other names: c.2149_2154+6del (NM_001256849.1); c.2227_2232+6del (NM_001308632.1).
Identifiers: ClinVar variation 2112791 (VCV002112791.4), dbSNP rs2514019956, ClinGen allele CA2580097697.

ClinVar aggregate classification (germline): Uncertain significance (1 of 4 stars; one submission).

Conditions:
POLD1-related polyposis and colorectal cancer syndrome (CRCS10). Also called: Colorectal cancer 10; COLORECTAL CANCER, SUSCEPTIBILITY TO, ON CHROMOSOME 19q; Colorectal cancer, susceptibility to, 10. Identifiers: Orphanet 220460, MedGen C2675481, MONDO:0012953, OMIM 612591.

Submission:

Labcorp Genetics (formerly Invitae), Labcorp
Classification: Uncertain significance for POLD1-related polyposis and colorectal cancer syndrome. Last evaluated: 2024-04-10. Review status: criteria provided, single submitter. Criteria: Invitae Variant Classification Sherloc (09022015). Collection method: clinical testing. Allele origin: germline.
Comment: This variant results in the deletion of part of exon 17 (c.2149_2154+6del) of the POLD1 gene. Missense variants that disrupt the 3'-5' exonuclease (proof-reading) activity of the POLD1 protein are associated with PPAP (polymerase proofreading–associated polyposis) (PMID: 23263490, 23447401). However, loss-of-function variants that result in an absent or severely disrupted POLD1 protein, and missense variants outside the exonuclease domain, are unlikely to be associated with PPAP. This variant is not present in population databases (gnomAD no frequency). This variant has not been reported in the literature in individuals affected with POLD1-related conditions. ClinVar contains an entry for this variant (Variation ID: 2112791). Studies have shown that this variant results in the activation of a cryptic splice site in exon 17 (Invitae). In summary, the available evidence is currently insufficient to determine the role of this variant in disease. Therefore, it has been classified as a Variant of Uncertain Significance.

Literature cited by the submitters: PubMed 23263490; PubMed 23447401.